The following is an entry in ClinVar:

ClinVar aggregate classification (germline): Uncertain significance. Review status: criteria provided, multiple submitters, no conflicts (2 of 4 stars). 2 submissions from 2 submitters: Uncertain significance (2). Last evaluated 2023-10-13.

Conditions:
Bethlem myopathy 1A. Also called: Bethlem Muscular Dystrophy; MYOPATHY, BENIGN CONGENITAL, WITH CONTRACTURES; Bethlem myopathy 1. Identifiers: Orphanet 610, MedGen CN029274, MONDO:0024530, OMIM 158810.

Allele frequency attached by ClinVar (database versions not stated): gnomAD exomes below 0.00001; gnomAD 0.00001; TOPMed 0.00001.
gnomAD v4.1: 4 of 1,612,668 alleles (0.00025%); highest among the groups gnomAD compares: Non-Finnish European, 0.00034%; no homozygotes.

Submissions (2):

Labcorp Genetics (formerly Invitae), Labcorp
Classification: Uncertain significance for Bethlem myopathy 1A. Last evaluated: 2023-10-13. Review status: criteria provided, single submitter. Criteria: Invitae Variant Classification Sherloc (09022015). Collection method: clinical testing. Allele origin: germline.
Comment: This sequence change replaces glutamic acid, which is acidic and polar, with lysine, which is basic and polar, at codon 359 of the COL6A2 protein (p.Glu359Lys). This variant is not present in population databases (gnomAD no frequency). This variant has not been reported in the literature in individuals affected with COL6A2-related conditions. ClinVar contains an entry for this variant (Variation ID: 1038518). Advanced modeling of protein sequence and biophysical properties (such as structural, functional, and spatial information, amino acid conservation, physicochemical variation, residue mobility, and thermodynamic stability) performed at Invitae indicates that this missense variant is not expected to disrupt COL6A2 protein function. In summary, the available evidence is currently insufficient to determine the role of this variant in disease. Therefore, it has been classified as a Variant of Uncertain Significance.

GeneDx
Classification: Uncertain significance. Last evaluated: 2019-11-01. Review status: criteria provided, single submitter. Criteria: GeneDx Variant Classification Process June 2021. Collection method: clinical testing. Allele origin: germline. Affected: yes.
Comment: In silico analysis, which includes protein predictors and evolutionary conservation, supports that this variant does not alter protein structure/function; Has not been previously published as pathogenic or benign to our knowledge

NM_001849.4(COL6A2):c.1075G>A (p.Glu359Lys)

Gene: COL6A2 (collagen type VI alpha 2 chain; plus strand). Cytogenetic location: 21q22.3.
Variant type: single nucleotide variant.
Coding change: c.1075G>A on transcript NM_001849.4 (MANE Select); coding-DNA position 1075, G replaced by A.
Protein change: p.Glu359Lys; replaces glutamic acid 359 with lysine.
Molecular consequence: missense variant.
Genome position (GRCh38, 1-based): chr21:46,117,895, G>A. VCF-style: chr21-46117895-G-A. GRCh37 (hg19) VCF-style: chr21-47537809-G-A.
Other names: c.1075G>A, p.Glu359Lys (NM_058174.3, NM_058175.3); short protein forms E359K.
Identifiers: ClinVar variation 1038518 (VCV001038518.8), dbSNP rs1473389233, ClinGen allele CA410527531.